The following is an entry in ClinVar:

NM_005458.8(GABBR2):c.707C>T (p.Pro236Leu)

Genes: GABBR2 (gamma-aminobutyric acid type B receptor subunit 2; minus strand), LOC126860700 (CDK7 strongly-dependent group 2 enhancer GRCh37_chr9:101257622-101258821; plus strand). Cytogenetic location: 9q22.33.
Variant type: single nucleotide variant.
Coding change: c.707C>T on transcript NM_005458.8 (MANE Select); coding-DNA position 707, C replaced by T.
Protein change: p.Pro236Leu; replaces proline 236 with leucine.
Molecular consequence: missense variant.
Genome position (GRCh38, 1-based): chr9:98,496,438, G>A on the plus strand (C>T on the coding strand, the complement: GABBR2 is on the minus strand). VCF-style: chr9-98496438-G-A. GRCh37 (hg19) VCF-style: chr9-101258720-G-A.
Other names: short protein forms P236L.
Identifiers: ClinVar variation 1039959 (VCV001039959.9), dbSNP rs1827281125, ClinGen allele CA374349223.
Genomic context (GRCh38, chr9:98,496,438, plus strand): 5'-AGTCTGCCATTCACCCTGTGGCTAGCCACACCTACCTTCAGCTTTTTGACACTGGTACAG[G>A]GATCGTTGGAGAAGCTCTCGGTGTCTGAAATCTCAATGTCCTCGCCATACAGAACTCCAG-3'
Protein context (NP_005449.5, residues 226-246): ISDTESFSND[Pro236Leu]CTSVKKLKGN

ClinVar aggregate classification (germline): Uncertain significance (1 of 4 stars; one submission).

Conditions:
Epileptic encephalopathy. Identifiers: MedGen C0543888, HP:0200134.

Submission:

Labcorp Genetics (formerly Invitae), Labcorp
Classification: Uncertain significance for Epileptic encephalopathy. Last evaluated: 2020-03-17. Review status: criteria provided, single submitter. Criteria: Invitae Variant Classification Sherloc (09022015). Collection method: clinical testing. Allele origin: germline.
Comment: Algorithms developed to predict the effect of missense changes on protein structure and function are either unavailable or do not agree on the potential impact of this missense change (SIFT: "Deleterious"; PolyPhen-2: "Possibly Damaging"; Align-GVGD: "Class C0"). In summary, the available evidence is currently insufficient to determine the role of this variant in disease. Therefore, it has been classified as a Variant of Uncertain Significance. This variant has not been reported in the literature in individuals with GABBR2-related conditions. This sequence change replaces proline with leucine at codon 236 of the GABBR2 protein (p.Pro236Leu). The proline residue is highly conserved and there is a moderate physicochemical difference between proline and leucine. This variant is not present in population databases (ExAC no frequency).